The following is an entry in ClinVar:

NM_005228.5(EGFR):c.904A>C (p.Thr302Pro)

Gene: EGFR (epidermal growth factor receptor; plus strand). Cytogenetic location: 7p11.2.
Variant type: single nucleotide variant.
Coding change: c.904A>C on transcript NM_005228.5 (MANE Select); coding-DNA position 904, A replaced by C.
Protein change: p.Thr302Pro; replaces threonine 302 with proline.
Molecular consequence: missense variant.
Genome position (GRCh38, 1-based): chr7:55,155,844, A>C. VCF-style: chr7-55155844-A-C. GRCh37 (hg19) VCF-style: chr7-55223537-A-C.
Other names: c.769A>C, p.Thr257Pro (NM_001346897.2, NM_001346899.2); c.904A>C, p.Thr302Pro (NM_001346898.2, NM_201282.2, NM_201283.2 and 1 more transcripts); c.745A>C, p.Thr249Pro (NM_001346900.2); c.103A>C, p.Thr35Pro (NM_001346941.2); short protein forms T35P, T257P, T249P, T302P.
Identifiers: ClinVar variation 4722278 (VCV004722278.1).
Genomic context (GRCh38, chr7:55,155,844, plus strand): 5'-ACCTGGTGCCACCGTCATCACCTTCCTTTCATGCTCTCTTCCCCAGGTAATTATGTGGTG[A>C]CAGATCACGGCTCGTGCGTCCGAGCCTGTGGGGCCGACAGCTATGAGATGGAGGAAGACG-3'
Protein context (NP_005219.2, residues 292-312): VKKCPRNYVV[Thr302Pro]DHGSCVRACG

ClinVar aggregate classification (germline): Uncertain significance (1 of 4 stars; one submission).

Conditions:
EGFR-related lung cancer (EGFR). Identifiers: MedGen CN130014.

Submission:

Labcorp Genetics (formerly Invitae), Labcorp
Classification: Uncertain significance for EGFR-related lung cancer. Last evaluated: 2025-06-29. Review status: criteria provided, single submitter. Criteria: Invitae Variant Classification Sherloc (09022015). Collection method: clinical testing. Allele origin: germline.
Comment: This sequence change replaces threonine, which is neutral and polar, with proline, which is neutral and non-polar, at codon 302 of the EGFR protein (p.Thr302Pro). This variant is not present in population databases (gnomAD no frequency). This variant has not been reported in the literature in individuals affected with EGFR-related conditions. An algorithm developed to predict the effect of missense changes on protein structure and function (PolyPhen-2) suggests that this variant is likely to be disruptive. In summary, the available evidence is currently insufficient to determine the role of this variant in disease. Therefore, it has been classified as a Variant of Uncertain Significance.